The following is an entry in ClinVar:

ClinVar aggregate classification (germline): Uncertain significance (1 of 4 stars; one submission).

Allele frequency attached by ClinVar (database versions not stated): ExAC 0.00001.

Submission:

Labcorp Genetics (formerly Invitae), Labcorp
Classification: Uncertain significance. Last evaluated: 2023-03-31. Review status: criteria provided, single submitter. Criteria: Invitae Variant Classification Sherloc (09022015). Collection method: clinical testing. Allele origin: germline.
Comment: An algorithm developed to predict the effect of missense changes on protein structure and function (PolyPhen-2) suggests that this variant is likely to be disruptive. In summary, the available evidence is currently insufficient to determine the role of this variant in disease. Therefore, it has been classified as a Variant of Uncertain Significance. This variant has not been reported in the literature in individuals affected with ATR-related conditions. This sequence change replaces proline, which is neutral and non-polar, with leucine, which is neutral and non-polar, at codon 1000 of the ATR protein (p.Pro1000Leu). This variant is present in population databases (rs757208137, gnomAD 0.0009%).

NM_001184.4(ATR):c.2999C>T (p.Pro1000Leu)

Gene: ATR (ATR checkpoint kinase; minus strand). Cytogenetic location: 3q23.
Variant type: single nucleotide variant.
Coding change: c.2999C>T on transcript NM_001184.4 (MANE Select); coding-DNA position 2999, C replaced by T.
Protein change: p.Pro1000Leu; replaces proline 1000 with leucine.
Molecular consequence: missense variant.
Genome position (GRCh38, 1-based): chr3:142,549,651, G>A on the plus strand (C>T on the coding strand, the complement: ATR is on the minus strand). VCF-style: chr3-142549651-G-A. GRCh37 (hg19) VCF-style: chr3-142268493-G-A.
Other names: c.2807C>T, p.Pro936Leu (NM_001354579.2); short protein forms P936L, P1000L.
Identifiers: ClinVar variation 2721371 (VCV002721371.3), dbSNP rs757208137, ClinGen allele CA2650217.